The following is an entry in ClinVar:

ClinVar aggregate classification (germline): Benign. Review status: criteria provided, multiple submitters, no conflicts (2 of 4 stars). 6 submissions from 6 submitters: Benign (5). 1 of the submissions does not count toward it. Last evaluated 2026-02-01.

Conditions:
Congenital myasthenic syndrome 8. Also called: Myasthenic syndrome, congenital, 8, with pre- and postsynaptic defects; MYASTHENIC SYNDROME, CONGENITAL, DUE TO AGRIN DEFICIENCY. Identifiers: Orphanet 590, MedGen C3808739, MONDO:0014052, OMIM 615120.

Allele frequency attached by ClinVar (database versions not stated): gnomAD exomes 0.00392; ExAC 0.00729; gnomAD 0.01570; ESP Exome Variant Server 0.01577; TOPMed 0.01770; 1000 Genomes Project 0.02276; 1000 Genomes Project 30x 0.02420.
gnomAD v4.1: 4,972 of 1,595,942 alleles (0.31%); highest among the groups gnomAD compares: African/African-American, 5.9%; 130 homozygotes.

Submissions (6):

Labcorp Genetics (formerly Invitae), Labcorp
Classification: Benign for Congenital myasthenic syndrome 8. Last evaluated: 2026-02-01. Review status: criteria provided, single submitter. Criteria: Invitae Variant Classification Sherloc (09022015). Collection method: clinical testing. Allele origin: germline.

Mayo Clinic Laboratories, Mayo Clinic
Classification: Benign. Last evaluated: 2023-11-02. Review status: criteria provided, single submitter. Criteria: ACMG Guidelines, 2015. Collection method: clinical testing. Allele origin: germline. Observed: 7 variant alleles.
Comment: BA1, BS2

GeneDx
Classification: Benign. Last evaluated: 2017-08-01. Review status: criteria provided, single submitter. Criteria: GeneDx Variant Classification (06012015). Collection method: clinical testing. Allele origin: germline. Affected: yes.
Comment: This variant is considered likely benign or benign based on one or more of the following criteria: it is a conservative change, it occurs at a poorly conserved position in the protein, it is predicted to be benign by multiple in silico algorithms, and/or has population frequency not consistent with disease.

Athena Diagnostics
Classification: Benign. Last evaluated: 2017-07-24. Review status: criteria provided, single submitter. Criteria: Athena Diagnostics Criteria. Collection method: clinical testing. Allele origin: germline.

PreventionGenetics, part of Exact Sciences
Classification: Benign. Review status: criteria provided, single submitter. Criteria: ACMG Guidelines, 2015. Collection method: clinical testing. Allele origin: germline.

Genetic Services Laboratory, University of Chicago
Classification: Likely benign for AllHighlyPenetrant. Review status: no assertion criteria provided. Collection method: clinical testing. Allele origin: germline. Inheritance: Autosomal recessive inheritance. Not counted in ClinVar's aggregate classification.
Comment: Likely benign based on allele frequency in 1000 Genomes Project or ESP global frequency and its presence in a patient with a rare or unrelated disease phenotype. NOT Sanger confirmed.

NM_198576.4(AGRN):c.4740C>T (p.Arg1580=)

Gene: AGRN (agrin; plus strand). Cytogenetic location: 1p36.33.
Variant type: single nucleotide variant.
Coding change: c.4740C>T on transcript NM_198576.4 (MANE Select); coding-DNA position 4740, C replaced by T.
Protein change: p.Arg1580=; no amino-acid change (arginine 1580 retained).
Molecular consequence: synonymous variant.
Genome position (GRCh38, 1-based): chr1:1,049,791, C>T. VCF-style: chr1-1049791-C-T. GRCh37 (hg19) VCF-style: chr1-985171-C-T.
Other names: p.Arg1580=; c.4740C>T (LRG_198t1); c.4740C>T, p.Arg1580= (NM_001305275.2); c.4425C>T, p.Arg1475= (NM_001364727.2).
Identifiers: ClinVar variation 128311 (VCV000128311.17), dbSNP rs115019873, ClinGen allele CA151666.